The following is an entry in ClinVar:

NM_001374353.1(GLI2):c.1819G>A (p.Gly607Ser)

Gene: GLI2 (GLI family zinc finger 2; plus strand). Cytogenetic location: 2q14.2.
Variant type: single nucleotide variant.
Coding change: c.1819G>A on transcript NM_001374353.1 (MANE Select); coding-DNA position 1819, G replaced by A.
Protein change: p.Gly607Ser; replaces glycine 607 with serine.
Molecular consequence: missense variant.
Genome position (GRCh38, 1-based): chr2:120,984,657, G>A. VCF-style: chr2-120984657-G-A. GRCh37 (hg19) VCF-style: chr2-121742233-G-A.
Other names: c.1870G>A (NM_005270.4); c.1870G>A, p.Gly624Ser (NM_001371271.1, NM_005270.5); c.1444G>A, p.Gly482Ser (NM_001374354.1); short protein forms G482S, G624S, G607S.
Identifiers: ClinVar variation 2930361 (VCV002930361.4), dbSNP rs754383625, ClinGen allele CA1852043.

ClinVar aggregate classification (germline): Uncertain significance. Review status: criteria provided, multiple submitters, no conflicts (2 of 4 stars). 2 submissions from 2 submitters: Uncertain significance (2). Last evaluated 2024-10-11.

Conditions:
Postaxial polydactyly-anterior pituitary anomalies-facial dysmorphism syndrome. Also called: Culler-Jones syndrome. Identifiers: Orphanet 420584, MedGen C4014479, MONDO:0014369, OMIM 615849.
Holoprosencephaly 9 (HPE9). Also called: HOLOPROSENCEPHALY WITH MICROPHTHALMIA AND FIRST BRANCHIAL ARCH ANOMALIES; PITUITARY ANOMALIES WITH HOLOPROSENCEPHALY-LIKE FEATURES. Identifiers: Orphanet 2162, MedGen C1835819, MONDO:0012563, OMIM 610829.
Inborn genetic diseases. Identifiers: MedGen C0950123, MeSH D030342.

Allele frequency attached by ClinVar (database versions not stated): gnomAD 0.00001; gnomAD exomes 0.00001; ExAC 0.00002; TOPMed 0.00005.
gnomAD v4.1: 23 of 1,613,830 alleles (0.0014%); highest among the groups gnomAD compares: Admixed American, 0.01%; no homozygotes.

Submissions (2):

Ambry Genetics
Classification: Uncertain significance for Inborn genetic diseases. Last evaluated: 2024-10-11. Review status: criteria provided, single submitter. Criteria: Ambry Variant Classification Scheme 2023. Collection method: clinical testing. Allele origin: germline.

Labcorp Genetics (formerly Invitae), Labcorp
Classification: Uncertain significance for Postaxial polydactyly-anterior pituitary anomalies-facial dysmorphism syndrome; Holoprosencephaly 9. Last evaluated: 2023-05-31. Review status: criteria provided, single submitter. Criteria: Invitae Variant Classification Sherloc (09022015). Collection method: clinical testing. Allele origin: germline.
Comment: In summary, the available evidence is currently insufficient to determine the role of this variant in disease. Therefore, it has been classified as a Variant of Uncertain Significance. Advanced modeling of protein sequence and biophysical properties (such as structural, functional, and spatial information, amino acid conservation, physicochemical variation, residue mobility, and thermodynamic stability) performed at Invitae indicates that this missense variant is not expected to disrupt GLI2 protein function. This variant has not been reported in the literature in individuals affected with GLI2-related conditions. This variant is present in population databases (rs754383625, gnomAD 0.009%). This sequence change replaces glycine, which is neutral and non-polar, with serine, which is neutral and polar, at codon 624 of the GLI2 protein (p.Gly624Ser).